The following is an entry in ClinVar:

NM_017547.4(FOXRED1):c.1343T>C (p.Ile448Thr)

Gene: FOXRED1 (FAD dependent oxidoreductase domain containing 1; plus strand). Cytogenetic location: 11q24.2.
Variant type: single nucleotide variant.
Coding change: c.1343T>C on transcript NM_017547.4 (MANE Select); coding-DNA position 1343, T replaced by C.
Protein change: p.Ile448Thr; replaces isoleucine 448 with threonine.
Molecular consequence: missense variant. On other transcripts: non-coding transcript variant (2).
Genome position (GRCh38, 1-based): chr11:126,277,571, T>C. VCF-style: chr11-126277571-T-C. GRCh37 (hg19) VCF-style: chr11-126147466-T-C.
Other names: short protein forms I448T.
Identifiers: ClinVar variation 1678698 (VCV001678698.4), dbSNP rs754490972, ClinGen allele CA6354445.

ClinVar aggregate classification (germline): Uncertain significance. Review status: criteria provided, multiple submitters, no conflicts (2 of 4 stars). 3 submissions from 3 submitters: Uncertain significance (3). Last evaluated 2025-11-20.

Conditions:
Inborn genetic diseases. Identifiers: MedGen C0950123, MeSH D030342.

Allele frequency attached by ClinVar (database versions not stated): gnomAD exomes below 0.00001; gnomAD 0.00001; TOPMed 0.00002.

Submissions (3):

Ambry Genetics
Classification: Uncertain significance for Inborn genetic diseases. Last evaluated: 2025-11-20. Review status: criteria provided, single submitter. Criteria: Ambry Variant Classification Scheme 2023. Collection method: clinical testing. Allele origin: germline.
Comment: The c.1343T>C (p.I448T) alteration is located in exon 11 (coding exon 11) of the FOXRED1 gene. This alteration results from a T to C substitution at nucleotide position 1343, causing the isoleucine (I) at amino acid position 448 to be replaced by a threonine (T). Based on data from gnomAD, the C allele has an overall frequency of <0.001% (0/250460) total alleles studied. The highest observed frequency was <0.001% (/) of alleles. Based on insufficient or conflicting evidence, the clinical significance of this alteration remains unclear.

GeneDx
Classification: Uncertain significance. Last evaluated: 2021-10-21. Review status: criteria provided, single submitter. Criteria: GeneDx Variant Classification Process June 2021. Collection method: clinical testing. Allele origin: germline. Affected: yes.
Comment: In silico analysis supports that this missense variant has a deleterious effect on protein structure/function; Has not been previously published as pathogenic or benign to our knowledge

Blueprint Genetics
Classification: Uncertain significance. Last evaluated: 2021-08-10. Review status: criteria provided, single submitter. Criteria: ACMG Guidelines, 2015. Collection method: clinical testing. Allele origin: germline.